The following is an entry in ClinVar:

NM_020988.3(GNAO1):c.728G>A (p.Arg243His)

Gene: GNAO1 (G protein subunit alpha o1; plus strand). Cytogenetic location: 16q13.
Variant type: single nucleotide variant.
Coding change: c.728G>A on transcript NM_020988.3 (MANE Select); coding-DNA position 728, G replaced by A.
Protein change: p.Arg243His; replaces arginine 243 with histidine.
Molecular consequence: missense variant.
Genome position (GRCh38, 1-based): chr16:56,351,388, G>A. VCF-style: chr16-56351388-G-A. GRCh37 (hg19) VCF-style: chr16-56385300-G-A.
Other names: c.728G>A (NM_020988.2); short protein forms R243H.
Identifiers: ClinVar variation 3002828 (VCV003002828.4), dbSNP rs2543427158, ClinGen allele CA395954579.

ClinVar aggregate classification (germline): Uncertain significance. Review status: criteria provided, multiple submitters, no conflicts (2 of 4 stars). 2 submissions from 2 submitters: Uncertain significance (2). Last evaluated 2024-11-11.

Conditions:
Early-infantile DEE. Also called: Early infantile epileptic encephalopathy with suppression bursts; Ohtahara syndrome; Early infantile epileptic encephalopathy. Identifiers: Orphanet 1934, MedGen C0393706, MONDO:0800491.

Submissions (2):

GeneDx
Classification: Uncertain significance. Last evaluated: 2024-11-11. Review status: criteria provided, single submitter. Criteria: GeneDx Variant Classification Process June 2021. Collection method: clinical testing. Allele origin: germline. Affected: yes.
Comment: Not observed at significant frequency in large population cohorts (gnomAD); In silico analysis supports that this missense variant has a deleterious effect on protein structure/function; Has not been previously reported as a pathogenic or benign germline variant to our knowledge; This variant is associated with the following publications: (PMID: 21317923)

Labcorp Genetics (formerly Invitae), Labcorp
Classification: Uncertain significance for Early-infantile DEE. Last evaluated: 2023-04-05. Review status: criteria provided, single submitter. Criteria: Invitae Variant Classification Sherloc (09022015). Collection method: clinical testing. Allele origin: germline.
Comment: In summary, the available evidence is currently insufficient to determine the role of this variant in disease. Therefore, it has been classified as a Variant of Uncertain Significance. Experimental studies have shown that this missense change affects GNAO1 function (PMID: 20668451, 24982418). Advanced modeling of protein sequence and biophysical properties (such as structural, functional, and spatial information, amino acid conservation, physicochemical variation, residue mobility, and thermodynamic stability) performed at Invitae indicates that this missense variant is expected to disrupt GNAO1 protein function. This variant has not been reported in the literature in individuals affected with GNAO1-related conditions. This variant is not present in population databases (gnomAD no frequency). This sequence change replaces arginine, which is basic and polar, with histidine, which is basic and polar, at codon 243 of the GNAO1 protein (p.Arg243His).

Literature cited by the submitters: PubMed 20668451 (cited by Labcorp Genetics (formerly Invitae), Labcorp); PubMed 24982418 (cited by Labcorp Genetics (formerly Invitae), Labcorp).